The following is an entry in ClinVar:

ClinVar aggregate classification (germline): Uncertain significance (1 of 4 stars; one submission).

Allele frequency attached by ClinVar (database versions not stated): gnomAD 0.00001; TOPMed 0.00001.
gnomAD v4.1: 11 of 1,544,066 alleles (0.00071%); highest among the groups gnomAD compares: Non-Finnish European, 0.000087%; no homozygotes.

Submission:

Labcorp Genetics (formerly Invitae), Labcorp
Classification: Uncertain significance. Last evaluated: 2022-06-20. Review status: criteria provided, single submitter. Criteria: Invitae Variant Classification Sherloc (09022015). Collection method: clinical testing. Allele origin: germline.
Comment: This sequence change replaces glutamine, which is neutral and polar, with proline, which is neutral and non-polar, at codon 3 of the NSMCE3 protein (p.Gln3Pro). This variant is present in population databases (no rsID available, gnomAD 0.01%). This variant has not been reported in the literature in individuals affected with NSMCE3-related conditions. Algorithms developed to predict the effect of missense changes on protein structure and function output the following: SIFT: "Tolerated"; PolyPhen-2: "Benign"; Align-GVGD: "Class C0". The proline amino acid residue is found in multiple mammalian species, which suggests that this missense change does not adversely affect protein function. In summary, the available evidence is currently insufficient to determine the role of this variant in disease. Therefore, it has been classified as a Variant of Uncertain Significance.

NM_138704.4(NSMCE3):c.8A>C (p.Gln3Pro)

Genes: ENTREP2 (endosomal transmembrane epsin interactor 2; minus strand), NSMCE3 (NSE3 homolog, SMC5-SMC6 complex component; minus strand). Cytogenetic location: 15q13.1.
Variant type: single nucleotide variant.
Coding change: c.8A>C on transcript NM_138704.4 (MANE Select); coding-DNA position 8, A replaced by C.
Protein change: p.Gln3Pro; replaces glutamine 3 with proline.
Molecular consequence: missense variant. On other transcripts: intron variant (5).
Genome position (GRCh38, 1-based): chr15:29,269,698, T>G on the plus strand (A>C on the coding strand, the complement: NSMCE3 is on the minus strand). VCF-style: chr15-29269698-T-G. GRCh37 (hg19) VCF-style: chr15-29561902-T-G.
Other names: c.-12-17220A>C (NM_001387217.1, NM_001387215.1, NM_001387216.1); c.277-17220A>C (NM_001387214.1, NM_015307.2); short protein forms Q3P.
Identifiers: ClinVar variation 1915942 (VCV001915942.2), dbSNP rs918636850, ClinGen allele CA268359594.